The following is an entry in ClinVar:

NM_007194.4(CHEK2):c.195A>C (p.Thr65=)

Gene: CHEK2 (checkpoint kinase 2; minus strand). Cytogenetic location: 22q12.1.
Variant type: single nucleotide variant.
Coding change: c.195A>C on transcript NM_007194.4 (MANE Select); coding-DNA position 195, A replaced by C.
Protein change: p.Thr65=; no amino-acid change (threonine 65 retained).
Molecular consequence: synonymous variant.
Genome position (GRCh38, 1-based): chr22:28,734,527, T>G on the plus strand (A>C on the coding strand, the complement: CHEK2 is on the minus strand). VCF-style: chr22-28734527-T-G. GRCh37 (hg19) VCF-style: chr22-29130515-T-G.
Other names: c.195A>C, p.Thr65= (NM_001005735.3, NM_001349956.3, NM_145862.3); c.-583A>C (NM_001257387.3).
Identifiers: ClinVar variation 820417 (VCV000820417.9), dbSNP rs1411341011, ClinGen allele CA513946549.

ClinVar aggregate classification (germline): Benign/Likely benign. Review status: criteria provided, multiple submitters, no conflicts (2 of 4 stars). 4 submissions from 4 submitters: Benign (1); Likely benign (3). Last evaluated 2024-10-01.

Conditions:
Hereditary cancer-predisposing syndrome. Also called: Neoplastic Syndromes, Hereditary; Tumor predisposition; Hereditary Cancer Syndrome; Hereditary neoplastic syndrome. Identifiers: Orphanet 140162, MedGen C0027672, MeSH D009386, MONDO:0015356.
Familial cancer of breast. Also called: BREAST CANCER, FAMILIAL; Hereditary breast cancer; hereditary breast carcinoma. Identifiers: Orphanet 227535, MedGen C0346153, MONDO:0016419, OMIM 114480. Disease mechanism: loss of function.

Submissions (4):

Myriad Genetics, Inc.
Classification: Benign for Familial cancer of breast. Last evaluated: 2024-10-01. Review status: criteria provided, single submitter. Criteria: Myriad Autosomal Dominant, Autosomal Recessive and X-Linked Classification Criteria (2023). Collection method: clinical testing. Allele origin: unknown.
Comment: This variant is considered benign. This variant is a silent/synonymous amino acid change and it is not expected to impact splicing.

Labcorp Genetics (formerly Invitae), Labcorp
Classification: Likely benign for Familial cancer of breast. Last evaluated: 2023-02-18. Review status: criteria provided, single submitter. Criteria: Invitae Variant Classification Sherloc (09022015). Collection method: clinical testing. Allele origin: germline.

Quest Diagnostics Nichols Institute San Juan Capistrano
Classification: Likely benign. Last evaluated: 2020-10-06. Review status: criteria provided, single submitter. Criteria: Quest Diagnostics criteria. Collection method: clinical testing. Allele origin: unknown.

Ambry Genetics
Classification: Likely benign for Hereditary cancer-predisposing syndrome. Last evaluated: 2018-06-21. Review status: criteria provided, single submitter. Criteria: Ambry Variant Classification Scheme 2023. Collection method: clinical testing. Allele origin: germline.